The following is an entry in ClinVar:

NM_001904.4(CTNNB1):c.583G>C (p.Val195Leu)

Genes: CTNNB1 (catenin beta 1; plus strand), LOC126806658 (BRD4-independent group 4 enhancer GRCh37_chr3:41265899-41267098; plus strand). Cytogenetic location: 3p22.1.
Variant type: single nucleotide variant.
Coding change: c.583G>C on transcript NM_001904.4 (MANE Select); coding-DNA position 583, G replaced by C.
Protein change: p.Val195Leu; replaces valine 195 with leucine.
Molecular consequence: missense variant.
Genome position (GRCh38, 1-based): chr3:41,225,421, G>C. VCF-style: chr3-41225421-G-C. GRCh37 (hg19) VCF-style: chr3-41266912-G-C.
Other names: c.583G>C, p.Val195Leu (NM_001098209.2, NM_001098210.2); c.562G>C, p.Val188Leu (NM_001330729.2); short protein forms V188L, V195L.
Identifiers: ClinVar variation 1219223 (VCV001219223.12), dbSNP rs147382769, ClinGen allele CA2330947.

ClinVar aggregate classification (germline): Conflicting classifications of pathogenicity. Review status: criteria provided, conflicting classifications (1 of 4 stars). 4 submissions from 4 submitters: Uncertain significance (2); Likely benign (2). Last evaluated 2026-01-24.

Conditions:
CTNNB1-related disorder. Also called: CTNNB1-related condition.
Inborn genetic diseases. Identifiers: MedGen C0950123, MeSH D030342.

gnomAD v4.1: 143 of 1,613,782 alleles (0.0089%); highest among the groups gnomAD compares: Non-Finnish European, 0.012%; no homozygotes.

Submissions (4):

Labcorp Genetics (formerly Invitae), Labcorp
Classification: Uncertain significance. Last evaluated: 2026-01-24. Review status: criteria provided, single submitter. Criteria: Invitae Variant Classification Sherloc (09022015). Collection method: clinical testing. Allele origin: germline.
Comment: This sequence change replaces valine, which is neutral and non-polar, with leucine, which is neutral and non-polar, at codon 195 of the CTNNB1 protein (p.Val195Leu). This variant is present in population databases (rs147382769, gnomAD 0.006%). This variant has not been reported in the literature in individuals affected with CTNNB1-related conditions. ClinVar contains an entry for this variant (Variation ID: 1219223). Invitae Evidence Modeling of protein sequence and biophysical properties (such as structural, functional, and spatial information, amino acid conservation, physicochemical variation, residue mobility, and thermodynamic stability) has been performed for this missense variant. However, the output from this modeling did not meet the statistical confidence thresholds required to predict the impact of this variant on CTNNB1 protein function. In summary, the available evidence is currently insufficient to determine the role of this variant in disease. Therefore, it has been classified as a Variant of Uncertain Significance.

PreventionGenetics, part of Exact Sciences
Classification: Uncertain significance for CTNNB1-related condition. Last evaluated: 2025-12-10. Review status: criteria provided, single submitter. Criteria: ACMG Guidelines, 2015. Collection method: clinical testing. Allele origin: germline.
Comment: The CTNNB1 c.583G>C variant is predicted to result in the amino acid substitution p.Val195Leu. To our knowledge, this variant has not been reported in the literature. This variant is reported in 0.0062% of alleles in individuals of European (non-Finnish) descent in gnomAD. At this time, the clinical significance of this variant is uncertain due to the absence of conclusive functional and genetic evidence.

Ambry Genetics
Classification: Likely benign for Inborn genetic diseases. Last evaluated: 2025-08-12. Review status: criteria provided, single submitter. Criteria: Ambry Variant Classification Scheme 2023. Collection method: clinical testing. Allele origin: germline.

GeneDx
Classification: Likely benign. Last evaluated: 2018-10-05. Review status: criteria provided, single submitter. Criteria: GeneDx Variant Classification Process June 2021. Collection method: clinical testing. Allele origin: germline. Affected: yes.